The following is an entry in ClinVar:

NM_000440.3(PDE6A):c.2512G>A (p.Ala838Thr)

Gene: PDE6A (phosphodiesterase 6A; minus strand). Cytogenetic location: 5q32.
Variant type: single nucleotide variant.
Coding change: c.2512G>A on transcript NM_000440.3 (MANE Select); coding-DNA position 2512, G replaced by A.
Protein change: p.Ala838Thr; replaces alanine 838 with threonine.
Molecular consequence: missense variant.
Genome position (GRCh38, 1-based): chr5:149,860,966, C>T on the plus strand (G>A on the coding strand, the complement: PDE6A is on the minus strand). VCF-style: chr5-149860966-C-T. GRCh37 (hg19) VCF-style: chr5-149240529-C-T.
Other names: short protein forms A838T.
Identifiers: ClinVar variation 904485 (VCV000904485.14), dbSNP rs778365507, ClinGen allele CA3504247.
Genomic context (GRCh38, chr5:149,860,966, plus strand): 5'-AGCAGGACTTGGATGTAGTTGCACCCCCTGGGCTGGGGTTTCCCCCCGGCTGATTTCCTG[C>T]GGCTGCTGCAATGAAACAGGAAAAAGAACACACCAGGTGACAAGAGGCTGCAGTGGGCTT-3'
Protein context (NP_000431.2, residues 828-848): QKQQSAKSAA[Ala838Thr]GNQPGGNPSP

ClinVar aggregate classification (germline): Uncertain significance. Review status: criteria provided, multiple submitters, no conflicts (2 of 4 stars). 5 submissions from 5 submitters: Uncertain significance (5). Last evaluated 2024-06-11.

Conditions:
Retinitis pigmentosa (RP). Identifiers: Orphanet 791, MedGen C0035334, MeSH D012174, MONDO:0019200, OMIM 268000. Inheritance: Autosomal dominant, autosomal recessive and X linked inheritance.
Inborn genetic diseases. Identifiers: MedGen C0950123, MeSH D030342.
Retinal dystrophy. Also called: Inherited retinal dystrophy. Identifiers: Orphanet 71862, MedGen C0854723, MeSH D058499, MONDO:0019118, HP:0000556.

Allele frequency attached by ClinVar (database versions not stated): ExAC 0.00008; TOPMed 0.00009.
gnomAD v4.1: 72 of 1,613,824 alleles (0.0045%); highest among the groups gnomAD compares: Non-Finnish European, 0.0057%; no homozygotes.

Submissions (5):

Blueprint Genetics
Classification: Uncertain significance. Last evaluated: 2024-06-11. Review status: criteria provided, single submitter. Criteria: ACMG Guidelines, 2015. Collection method: clinical testing. Allele origin: germline.

Dept Of Ophthalmology, Nagoya University
Classification: Uncertain significance for Retinal dystrophy. Last evaluated: 2023-10-01. Review status: criteria provided, single submitter. Criteria: Submitter's publication. Collection method: research. Allele origin: germline. Affected: yes.

Ambry Genetics
Classification: Uncertain significance for Inborn genetic diseases. Last evaluated: 2023-06-29. Review status: criteria provided, single submitter. Criteria: Ambry Variant Classification Scheme 2023. Collection method: clinical testing. Allele origin: germline.

Labcorp Genetics (formerly Invitae), Labcorp
Classification: Uncertain significance. Last evaluated: 2022-07-05. Review status: criteria provided, single submitter. Criteria: Invitae Variant Classification Sherloc (09022015). Collection method: clinical testing. Allele origin: germline.
Comment: This sequence change replaces alanine, which is neutral and non-polar, with threonine, which is neutral and polar, at codon 838 of the PDE6A protein (p.Ala838Thr). This variant is present in population databases (rs778365507, gnomAD 0.009%). This variant has not been reported in the literature in individuals affected with PDE6A-related conditions. ClinVar contains an entry for this variant (Variation ID: 904485). Algorithms developed to predict the effect of missense changes on protein structure and function output the following: SIFT: "Tolerated"; PolyPhen-2: "Benign"; Align-GVGD: "Class C0". The threonine amino acid residue is found in multiple mammalian species, which suggests that this missense change does not adversely affect protein function. In summary, the available evidence is currently insufficient to determine the role of this variant in disease. Therefore, it has been classified as a Variant of Uncertain Significance.

Illumina Laboratory Services, Illumina
Classification: Uncertain significance for Retinitis pigmentosa. Last evaluated: 2018-01-13. Review status: criteria provided, single submitter. Criteria: ICSL Variant Classification Criteria 13 December 2019. Collection method: clinical testing. Allele origin: germline.